The following is an entry in ClinVar:

NM_005101.4(ISG15):c.472G>A (p.Gly158Ser)

Gene: ISG15 (ISG15 ubiquitin like modifier; plus strand). Cytogenetic location: 1p36.33.
Variant type: single nucleotide variant.
Coding change: c.472G>A on transcript NM_005101.4 (MANE Select); coding-DNA position 472, G replaced by A.
Protein change: p.Gly158Ser; replaces glycine 158 with serine.
Molecular consequence: missense variant.
Genome position (GRCh38, 1-based): chr1:1,014,452, G>A. VCF-style: chr1-1014452-G-A. GRCh37 (hg19) VCF-style: chr1-949832-G-A.
Other names: c.472G>A, p.Gly158Ser (LRG_1231t1); short protein forms G158S.
Identifiers: ClinVar variation 651310 (VCV000651310.8), dbSNP rs139357483, ClinGen allele CA507723.

ClinVar aggregate classification (germline): Uncertain significance. Review status: criteria provided, multiple submitters, no conflicts (2 of 4 stars). 2 submissions from 2 submitters: Uncertain significance (2). Last evaluated 2024-12-09.

Conditions:
Mendelian susceptibility to mycobacterial diseases due to complete ISG15 deficiency. Also called: IMMUNODEFICIENCY 38, MYCOBACTERIOSIS, AUTOSOMAL RECESSIVE; ISG15 DEFICIENCY, AUTOSOMAL RECESSIVE; Immunodeficiency 38 with basal ganglia calcification; Immunodeficiency 38. Identifiers: Orphanet 319563, MedGen C4015293, MONDO:0014502, OMIM 616126.

Allele frequency attached by ClinVar (database versions not stated): gnomAD 0.00019; TOPMed 0.00023; ESP Exome Variant Server 0.00031.

Submissions (2):

Labcorp Genetics (formerly Invitae), Labcorp
Classification: Uncertain significance for Mendelian susceptibility to mycobacterial diseases due to complete ISG15 deficiency. Last evaluated: 2024-12-09. Review status: criteria provided, single submitter. Criteria: Invitae Variant Classification Sherloc (09022015). Collection method: clinical testing. Allele origin: germline.
Comment: This sequence change replaces glycine, which is neutral and non-polar, with serine, which is neutral and polar, at codon 158 of the ISG15 protein (p.Gly158Ser). This variant is present in population databases (rs139357483, gnomAD 0.03%). This variant has not been reported in the literature in individuals affected with ISG15-related conditions. ClinVar contains an entry for this variant (Variation ID: 651310). An algorithm developed to predict the effect of missense changes on protein structure and function outputs the following: PolyPhen-2: "Benign". The serine amino acid residue is found in multiple mammalian species, which suggests that this missense change does not adversely affect protein function. In summary, the available evidence is currently insufficient to determine the role of this variant in disease. Therefore, it has been classified as a Variant of Uncertain Significance.

Ambry Genetics
Classification: Uncertain significance. Last evaluated: 2021-07-20. Review status: criteria provided, single submitter. Criteria: Ambry Variant Classification Scheme 2023. Collection method: clinical testing. Allele origin: germline.